The following is an entry in ClinVar:

NM_024649.5(BBS1):c.526C>T (p.Gln176Ter)

Gene: BBS1 (Bardet-Biedl syndrome 1; plus strand). Cytogenetic location: 11q13.2.
Variant type: single nucleotide variant.
Coding change: c.526C>T on transcript NM_024649.5 (MANE Select); coding-DNA position 526, C replaced by T.
Protein change: p.Gln176Ter; replaces glutamine 176 with a stop codon.
Molecular consequence: nonsense.
Genome position (GRCh38, 1-based): chr11:66,515,868, C>T. VCF-style: chr11-66515868-C-T. GRCh37 (hg19) VCF-style: chr11-66283339-C-T.
Other names: c.526C>T (NM_024649.4); short protein forms Q176*.
Identifiers: ClinVar variation 2170680 (VCV002170680.11), dbSNP rs777765120, ClinGen allele CA381457507.
Genomic context (GRCh38, chr11:66,515,868, plus strand): 5'-GGAGGAGGGCAGCGAGGCCGGGGCCTGCAGATGCCAGTTCTCTGTGTGTCTAGGTTTCTG[C>T]AGCTGGAGCTAAGTGAAATGGAGGCATTTGTAAACCAACACAAGTCCAACTCCATCAAGC-3'

ClinVar aggregate classification (germline): Pathogenic/Likely pathogenic. Review status: criteria provided, multiple submitters, no conflicts (2 of 4 stars). 7 submissions from 7 submitters: Pathogenic (3); Likely pathogenic (3). 1 of the submissions does not count toward it. Last evaluated 2026-03-23.

Conditions:
Bardet-Biedl syndrome 1 (BBS1). Identifiers: MedGen C2936862, MONDO:0008854, OMIM 209900. Disease mechanism: loss of function.
BBS1-related disorder. Also called: BBS1-related condition.
Retinitis pigmentosa (RP). Identifiers: Orphanet 791, MedGen C0035334, MeSH D012174, MONDO:0019200, OMIM 268000. Inheritance: Autosomal dominant, autosomal recessive and X linked inheritance.
Bardet-Biedl syndrome (BBS). Identifiers: Orphanet 110, MedGen C0752166, MONDO:0015229.

gnomAD v4.1: 2 of 1,614,232 alleles (0.00012%); no homozygotes.

Submissions (7):

Women's Health and Genetics/Laboratory Corporation of America, LabCorp
Classification: Pathogenic for Bardet-Biedl syndrome. Last evaluated: 2026-03-23. Review status: criteria provided, single submitter. Criteria: LabCorp Variant Classification Summary - May 2015. Collection method: clinical testing. Allele origin: germline.
Comment: Variant summary: BBS1 c.526C>T (p.Gln176X) results in a premature termination codon, predicted to cause a truncation of the encoded protein or absence of the protein due to nonsense mediated decay, which are commonly known mechanisms for disease. The variant was absent in 251478 control chromosomes. To our knowledge, no occurrence of c.526C>T in individuals affected with BBS1-related conditions and no experimental evidence demonstrating its impact on protein function have been reported. ClinVar contains an entry for this variant (Variation ID: 2170680). Based on the evidence outlined above, the variant was classified as pathogenic.

Labcorp Genetics (formerly Invitae), Labcorp
Classification: Pathogenic for Bardet-Biedl syndrome. Last evaluated: 2025-12-03. Review status: criteria provided, single submitter. Criteria: Invitae Variant Classification Sherloc (09022015). Collection method: clinical testing. Allele origin: germline.
Comment: This sequence change creates a premature translational stop signal (p.Gln176*) in the BBS1 gene. It is expected to result in an absent or disrupted protein product. Loss-of-function variants in BBS1 are known to be pathogenic (PMID: 12118255, 21520335, 27032803). This variant is not present in population databases (gnomAD no frequency). This variant has not been reported in the literature in individuals affected with BBS1-related conditions. ClinVar contains an entry for this variant (Variation ID: 2170680). Algorithms developed to predict the effect of sequence changes on RNA splicing suggest that this variant may disrupt the consensus splice site. For these reasons, this variant has been classified as Pathogenic.

Natera, Inc.
Classification: Likely pathogenic for Bardet-Biedl syndrome type 1. Last evaluated: 2025-11-06. Review status: criteria provided, single submitter. Criteria: Natera Variant Classification Schema (03/2026). Collection method: clinical testing. Allele origin: germline.
Comment: The c.526C>T variant in BBS1 is a nonsense variant predicted to introduce a stop codon at amino acid 176. This variant is expected to result in nonsense mediated decay, truncation, or a dysfunctional protein product. This variant is rare in the general population with a frequency below the threshold expected for the associated phenotype(s). Given the available evidence, this variant is classified as Likely Pathogenic.

Lab De Baere, Eye and Developmental Genetics Lab, Ghent University
Classification: Pathogenic for Retinitis pigmentosa. Last evaluated: 2024-10-01. Review status: criteria provided, single submitter. Criteria: ACMG Guidelines, 2015. Collection method: research. Allele origin: inherited. Affected: yes. Observed: 1 variant allele.
Comment: ACMG/AMP guidelines: PM2, PVS1, PM3_PP

Kariminejad - Najmabadi Pathology & Genetics Center
Classification: Likely pathogenic for Bardet-Biedl syndrome 1. Review status: criteria provided, single submitter. Criteria: ACMG Guidelines, 2015. Collection method: clinical testing. Allele origin: germline. Affected: no.

Molecular Genetics Department, Kulakov National Medical Research Center for Obstetrics, Gynecology and Perinatology
Classification: Likely pathogenic for Bardet-Biedl syndrome 1. Review status: criteria provided, single submitter. Criteria: ACMG Guidelines, 2015. Collection method: clinical testing. Allele origin: germline. Affected: yes. Observed: 1 variant allele.
Comment: A previously undescribed homozygous nucleotide variant creates a premature translation stop signal p.Gln176Ter in the BBS1 gene. Homozygous and compound heterozygous variants are reported in patients with Bardet-Biedl syndrome 1, 209900. The variant frequency in population database gnomAD is 0.00012%. In summary, the currently available evidence indicates that the variant is pathogenic, but additional data are needed to prove that conclusively. Therefore, this variant has been classified as likely pathogenic.

PreventionGenetics, part of Exact Sciences
Classification: Pathogenic for BBS1-related condition. Last evaluated: 2024-01-03. Review status: no assertion criteria provided. Collection method: clinical testing. Allele origin: germline. Not counted in ClinVar's aggregate classification.
Comment: The BBS1 c.526C>T variant is predicted to result in premature protein termination (p.Gln176*). To our knowledge, this variant has not been reported in the literature or in gnomAD, indicating this variant is rare. Nonsense variants in BBS1 are expected to be pathogenic. This variant is interpreted as pathogenic.

Literature cited by the submitters: PubMed 12118255 (cited by Labcorp Genetics (formerly Invitae), Labcorp); PubMed 21520335 (cited by Labcorp Genetics (formerly Invitae), Labcorp); PubMed 27032803 (cited by Labcorp Genetics (formerly Invitae), Labcorp).